The following is an entry in ClinVar:

ClinVar aggregate classification (germline): Likely benign (1 of 4 stars; one submission).

Conditions:
ADCY3-related disorder. Also called: ADCY3-related condition.

gnomAD v4.1: 1 of 1,614,124 alleles (0.000062%); highest among the groups gnomAD compares: Non-Finnish European, 0.000085%; no homozygotes.

Submission:

PreventionGenetics, part of Exact Sciences
Classification: Likely benign for ADCY3-related condition. Last evaluated: 2024-12-31. Review status: criteria provided, single submitter. Criteria: ACMG Guidelines, 2015. Collection method: clinical testing. Allele origin: germline.
Comment: This variant is classified as likely benign based on ACMG/AMP sequence variant interpretation guidelines (Richards et al. 2015 PMID: 25741868, with internal and published modifications).

NM_004036.5(ADCY3):c.324C>G (p.Leu108=)

Gene: ADCY3 (adenylate cyclase 3; minus strand). Cytogenetic location: 2p23.3.
Variant type: single nucleotide variant.
Coding change: c.324C>G on transcript NM_004036.5 (MANE Select); coding-DNA position 324, C replaced by G.
Protein change: p.Leu108=; no amino-acid change (leucine 108 retained).
Molecular consequence: synonymous variant.
Genome position (GRCh38, 1-based): chr2:24,918,664, G>C on the plus strand (C>G on the coding strand, the complement: ADCY3 is on the minus strand). VCF-style: chr2-24918664-G-C. GRCh37 (hg19) VCF-style: chr2-25141533-G-C.
Other names: c.324C>G, p.Leu108= (NM_001320613.2, NM_001377128.1, NM_001377129.1 and 2 more transcripts).
Identifiers: ClinVar variation 4989758 (VCV004989758.1).